The following is an entry in ClinVar:

NM_002432.3(MNDA):c.1076T>C (p.Ile359Thr)

Gene: MNDA (myeloid cell nuclear differentiation antigen; plus strand). Cytogenetic location: 1q23.1.
Variant type: single nucleotide variant.
Coding change: c.1076T>C on transcript NM_002432.3 (MANE Select); coding-DNA position 1076, T replaced by C.
Protein change: p.Ile359Thr; replaces isoleucine 359 with threonine.
Molecular consequence: missense variant.
Genome position (GRCh38, 1-based): chr1:158,847,816, T>C. VCF-style: chr1-158847816-T-C. GRCh37 (hg19) VCF-style: chr1-158817606-T-C.
Other names: short protein forms I359T.
Identifiers: ClinVar variation 2448172 (VCV002448172.2), dbSNP rs2526092577, ClinGen allele CA343044253.

ClinVar aggregate classification (germline): Uncertain significance (1 of 4 stars; one submission).

Submission:

Ambry Genetics
Classification: Uncertain significance. Last evaluated: 2023-01-26. Review status: criteria provided, single submitter. Criteria: Ambry Variant Classification Scheme 2023. Collection method: clinical testing. Allele origin: germline.
Comment: The p.I359T variant (also known as c.1076T>C), located in coding exon 5 of the MNDA gene, results from a T to C substitution at nucleotide position 1076. The isoleucine at codon 359 is replaced by threonine, an amino acid with similar properties. This amino acid position is conserved. In addition, this alteration is predicted to be tolerated by in silico analysis. Since supporting evidence is limited at this time, the clinical significance of this alteration remains unclear.